The following is an entry in ClinVar:

NM_020778.5(ALPK3):c.2267T>C (p.Phe756Ser)

Gene: ALPK3 (alpha kinase 3; plus strand). Cytogenetic location: 15q25.3.
Variant type: single nucleotide variant.
Coding change: c.2267T>C on transcript NM_020778.5 (MANE Select); coding-DNA position 2267, T replaced by C.
Protein change: p.Phe756Ser; replaces phenylalanine 756 with serine.
Molecular consequence: missense variant.
Genome position (GRCh38, 1-based): chr15:84,857,005, T>C. VCF-style: chr15-84857005-T-C. GRCh37 (hg19) VCF-style: chr15-85400236-T-C.
Other names: short protein forms F756S.
Identifiers: ClinVar variation 2820869 (VCV002820869.3), dbSNP rs1022623925, ClinGen allele CA273624128.

ClinVar aggregate classification (germline): Uncertain significance (1 of 4 stars; one submission).

Allele frequency attached by ClinVar (database versions not stated): gnomAD 0.00001; TOPMed 0.00001.
gnomAD v4.1: 1 of 1,613,976 alleles (0.000062%); highest among the groups gnomAD compares: African/African-American, 0.0013%; no homozygotes.

Submission:

Labcorp Genetics (formerly Invitae), Labcorp
Classification: Uncertain significance. Last evaluated: 2022-12-14. Review status: criteria provided, single submitter. Criteria: Invitae Variant Classification Sherloc (09022015). Collection method: clinical testing. Allele origin: germline.
Comment: This sequence change replaces phenylalanine, which is neutral and non-polar, with serine, which is neutral and polar, at codon 958 of the ALPK3 protein (p.Phe958Ser). In summary, the available evidence is currently insufficient to determine the role of this variant in disease. Therefore, it has been classified as a Variant of Uncertain Significance. Algorithms developed to predict the effect of missense changes on protein structure and function output the following: SIFT: "Tolerated"; PolyPhen-2: "Benign"; Align-GVGD: "Class C0". The serine amino acid residue is found in multiple mammalian species, which suggests that this missense change does not adversely affect protein function. This variant has not been reported in the literature in individuals affected with ALPK3-related conditions. This variant is present in population databases (no rsID available, gnomAD 0.007%).